The following is an entry in ClinVar:

NM_000789.4(ACE):c.2306-105_2306-104insTTTTTTTTTTTGAGACGGAGTCTCGCTCTGTCGCCCATACAGTCACTTTT

Gene: ACE (angiotensin I converting enzyme; plus strand). Cytogenetic location: 17q23.3.
Variant type: Insertion.
Coding change: c.2306-105_2306-104insTTTTTTTTTTTGAGACGGAGTCTCGCTCTGTCGCCCATACAGTCACTTTT on transcript NM_000789.4 (MANE Select); 105 bases into the intron before coding-DNA position 2306 through 104 bases into the intron before coding-DNA position 2306, TTTTTTTTTTTGAGACGGAGTCTCGCTCTGTCGCCCATACAGTCACTTTT inserted.
Molecular consequence: intron variant.
Genome position: GRCh38: chr17:63,488,543-63,488,544. GRCh37 (hg19): chr17:61,565,904-61,565,905.
Other names: c.584-105_584-104insTTTTTTTTTTTGAGACGGAGTCTCGCTCTGTCGCCCATACAGTCACTTTT (NM_152830.3, NM_001178057.2).
Identifiers: ClinVar variation 375659 (VCV000375659.4), dbSNP rs1799752, ClinGen allele CA16044415.

ClinVar aggregate classification (germline): drug response. Review status: reviewed by expert panel (3 of 4 stars). 2 submissions from 2 submitters: drug response (1). 1 of the submissions does not count toward it. Last evaluated 2021-03-24.

Conditions:
Risk of requirement of invasive mechanical ventilation in patients with severe COVID-19.
captopril response - Efficacy. Identifiers: MedGen CN322725.

Submissions (2):

ClinPGx
Classification: drug response for captopril response - Efficacy. Last evaluated: 2021-03-24. Review status: reviewed by expert panel. Criteria: Pharmacogenomics knowledge for personalized medicine. Collection method: curation. Allele origin: germline. Affected: yes.
Comment: PharmGKB Level of Evidence 2A: Variants in Level 2A clinical annotations are found in PharmGKB’s Tier 1 Very Important Pharmacogenes (VIPs). These variants are in known pharmacogenes, implying causation of drug phenotype is more likely. These clinical annotations describe variant-drug combinations with a moderate level of evidence supporting the association. For example, the association may be found in multiple cohorts, but there may be a minority of studies that do not support the majority assertion. Level 2A clinical annotations must be supported by at least two independent publications.

Drug is not necessarily used to treat response condition

Pneumogenomics Laboratory, Instituto Nacional de Enfermedades Respiratorias Ismael Cosio Villegas
Classification: Uncertain significance for Risk of requirement of invasive mechanical ventilation in patients with severe COVID-19. Review status: no assertion criteria provided. Collection method: research. Allele origin: germline. Affected: yes. Observed: 216 variant alleles. Clinical features observed: Severe COVID-19. Not counted in ClinVar's aggregate classification.

Literature cited by the submitters: PubMed 12832683 (cited by ClinPGx); PubMed 19286758 (cited by ClinPGx); PubMed 20830509 (cited by ClinPGx); PubMed 8806248 (cited by ClinPGx); PubMed 9069453 (cited by ClinPGx); PubMed 9551410 (cited by ClinPGx); PubMed 9869506 (cited by ClinPGx).